The following is an entry in ClinVar:

NM_002087.4(GRN):c.348A>C (p.Ser116=)

Gene: GRN (granulin precursor; plus strand). Cytogenetic location: 17q21.31.
Variant type: single nucleotide variant.
Coding change: c.348A>C on transcript NM_002087.4 (MANE Select); coding-DNA position 348, A replaced by C.
Protein change: p.Ser116=; no amino-acid change (serine 116 retained).
Molecular consequence: synonymous variant.
Genome position (GRCh38, 1-based): chr17:44,349,750, A>C. VCF-style: chr17-44349750-A-C. GRCh37 (hg19) VCF-style: chr17-42427118-A-C.
Identifiers: ClinVar variation 2925623 (VCV002925623.3), dbSNP rs2510054792, ClinGen allele CA500621831.

ClinVar aggregate classification (germline): Uncertain significance (1 of 4 stars; one submission).

Conditions:
GRN-related frontotemporal lobar degeneration with Tdp43 inclusions (FTD2). Also called: GRN Frontotemporal Dementia; FRONTOTEMPORAL DEMENTIA WITH TDP43 INCLUSIONS, GRN-RELATED; DEMENTIA, HEREDITARY DYSPHASIC DISINHIBITION; FRONTOTEMPORAL LOBAR DEGENERATION WITH UBIQUITIN-POSITIVE INCLUSIONS; FTLD-TDP, GRN-RELATED. Identifiers: Orphanet 100070, Orphanet 282, MedGen C1843792, MONDO:0011842, OMIM 607485. Disease mechanism: loss of function.
Neuronal ceroid lipofuscinosis 11. Also called: GRN-Related Neuronal Ceroid-Lipofuscinosis. Identifiers: Orphanet 314629, Orphanet 79262, MedGen C3539123, MONDO:0013866, OMIM 614706.

Submission:

Labcorp Genetics (formerly Invitae), Labcorp
Classification: Uncertain significance for Neuronal ceroid lipofuscinosis 11; GRN-related frontotemporal lobar degeneration with Tdp43 inclusions. Last evaluated: 2023-05-03. Review status: criteria provided, single submitter. Criteria: Invitae Variant Classification Sherloc (09022015). Collection method: clinical testing. Allele origin: germline.
Comment: Algorithms developed to predict the effect of sequence changes on RNA splicing suggest that this variant may disrupt the consensus splice site. In summary, the available evidence is currently insufficient to determine the role of this variant in disease. Therefore, it has been classified as a Variant of Uncertain Significance. This variant has been observed in individual(s) with frontotemporal lobar degeneration (PMID: 20142524, 21482928). This variant is not present in population databases (gnomAD no frequency). This sequence change affects codon 116 of the GRN mRNA. It is a 'silent' change, meaning that it does not change the encoded amino acid sequence of the GRN protein. It affects a nucleotide within the consensus splice site.

Literature cited by the submitters: PubMed 20142524; PubMed 21482928.